The following is an entry in ClinVar:

NM_024642.5(GALNT12):c.1459-10C>T

Gene: GALNT12 (polypeptide N-acetylgalactosaminyltransferase 12; plus strand). Cytogenetic location: 9q22.33.
Variant type: single nucleotide variant.
Coding change: c.1459-10C>T on transcript NM_024642.5 (MANE Select); 10 bases into the intron before coding-DNA position 1459, C replaced by T.
Molecular consequence: intron variant.
Genome position (GRCh38, 1-based): chr9:98,845,967, C>T. VCF-style: chr9-98845967-C-T. GRCh37 (hg19) VCF-style: chr9-101608249-C-T.
Identifiers: ClinVar variation 4876121 (VCV004876121.1).
Genomic context (GRCh38, chr9:98,845,967, plus strand): 5'-GTCCAGCGATCTTTCCTCTTCCCACATCAGTGGAAAATGTTGTGTTACATGTTGGCTGCC[C>T]CATTTTTAGTTTTTCGAGTACACGTCCCAGAAAGAAATACGCTATAACACCCACCAGCCT-3'

ClinVar aggregate classification (germline): Likely benign (1 of 4 stars; one submission).

Conditions:
Colorectal cancer, susceptibility to, 1. Also called: COLORECTAL ADENOMA AND CANCER, SUSCEPTIBILITY TO; COLORECTAL CANCER, SUSCEPTIBILITY TO, ON CHROMOSOME 9. Identifiers: MedGen C1837315, MONDO:0012132, OMIM 608812.

gnomAD v4.1: 1 of 1,614,006 alleles (0.000062%); no homozygotes.

Submission:

Myriad Genetics, Inc.
Classification: Likely benign for Colorectal cancer, susceptibility to, 1. Last evaluated: 2026-04-22. Review status: criteria provided, single submitter. Criteria: Myriad Autosomal Dominant, Autosomal Recessive and X-Linked Classification Criteria (2023). Collection method: clinical testing. Allele origin: unknown.
Comment: This variant is considered likely benign. This variant is intronic and is not expected to impact mRNA splicing.